The following is an entry in ClinVar:

NM_012082.4(ZFPM2):c.1046A>C (p.Asn349Thr)

Genes: ZFPM2 (zinc finger protein, FOG family member 2; plus strand), ZFPM2-AS1 (ZFPM2 antisense RNA 1; minus strand). Cytogenetic location: 8q23.1.
Variant type: single nucleotide variant.
Coding change: c.1046A>C on transcript NM_012082.4 (MANE Select); coding-DNA position 1046, A replaced by C.
Protein change: p.Asn349Thr; replaces asparagine 349 with threonine.
Molecular consequence: missense variant.
Genome position (GRCh38, 1-based): chr8:105,801,128, A>C. VCF-style: chr8-105801128-A-C. GRCh37 (hg19) VCF-style: chr8-106813356-A-C.
Other names: c.887A>C, p.Asn296Thr (NM_001362836.2); c.650A>C, p.Asn217Thr (NM_001362837.2); short protein forms N217T, N296T, N349T.
Identifiers: ClinVar variation 1030220 (VCV001030220.1), dbSNP rs1290587796, ClinGen allele CA371946064.

ClinVar aggregate classification (germline): Uncertain significance (1 of 4 stars; one submission).

Conditions:
Tetralogy of Fallot (TOF). Identifiers: Orphanet 3303, MedGen C0039685, MONDO:0008542, OMIM 187500, HP:0001636.

Submission:

Baylor Genetics
Classification: Uncertain significance for Tetralogy of Fallot. Last evaluated: 2019-05-09. Review status: criteria provided, single submitter. Criteria: ACMG Guidelines, 2015. Collection method: clinical testing. Allele origin: maternal. Affected: yes.
Comment: This variant was determined to be of uncertain significance according to ACMG Guidelines, 2015 [PMID:25741868].